The following is an entry in ClinVar:

ClinVar aggregate classification (germline): Uncertain significance (1 of 4 stars; one submission).

Conditions:
Benign neonatal seizures. Also called: Benign familial neonatal seizures; Convulsions benign familial neonatal dominant form; Autosomal dominant form of benign neonatal seizures; Benign familial neonatal epilepsy; Benign neonatal familial convulsions. Identifiers: Orphanet 1949, MedGen C0220669, MONDO:0016027.

Submission:

Labcorp Genetics (formerly Invitae), Labcorp
Classification: Uncertain significance for Benign neonatal seizures. Last evaluated: 2023-05-15. Review status: criteria provided, single submitter. Criteria: Invitae Variant Classification Sherloc (09022015). Collection method: clinical testing. Allele origin: germline.
Comment: This variant has not been reported in the literature in individuals affected with KCNQ3-related conditions. In summary, the available evidence is currently insufficient to determine the role of this variant in disease. Therefore, it has been classified as a Variant of Uncertain Significance. Advanced modeling of protein sequence and biophysical properties (such as structural, functional, and spatial information, amino acid conservation, physicochemical variation, residue mobility, and thermodynamic stability) performed at Invitae indicates that this missense variant is not expected to disrupt KCNQ3 protein function. ClinVar contains an entry for this variant (Variation ID: 2006199). This variant is not present in population databases (gnomAD no frequency). This sequence change replaces leucine, which is neutral and non-polar, with glutamine, which is neutral and polar, at codon 198 of the KCNQ3 protein (p.Leu198Gln).

NM_004519.4(KCNQ3):c.593T>A (p.Leu198Gln)

Gene: KCNQ3 (potassium voltage-gated channel subfamily Q member 3; minus strand). Cytogenetic location: 8q24.22.
Variant type: single nucleotide variant.
Coding change: c.593T>A on transcript NM_004519.4 (MANE Select); coding-DNA position 593, T replaced by A.
Protein change: p.Leu198Gln; replaces leucine 198 with glutamine.
Molecular consequence: missense variant.
Genome position (GRCh38, 1-based): chr8:132,184,252, A>T on the plus strand (T>A on the coding strand, the complement: KCNQ3 is on the minus strand). VCF-style: chr8-132184252-A-T. GRCh37 (hg19) VCF-style: chr8-133196499-A-T.
Other names: c.233T>A, p.Leu78Gln (NM_001204824.2); short protein forms L198Q, L78Q.
Identifiers: ClinVar variation 2006199 (VCV002006199.4), dbSNP rs2536959495, ClinGen allele CA372291053.
Genomic context (GRCh38, chr8:132,184,252, plus strand): 5'-CCAAAAGAAGGGAACTGAGGAGGCTGGGAGGCTCAGGGTCAGGACTTACCCAACATGCAC[A>T]GGGGCTTCCTGGCAAACTTCAGTCGGCCCCGCCAGCCTTTGTATCGGCAGCAACATCCAG-3'
Protein context (NP_004510.1, residues 188-208): RGRLKFARKP[Leu198Gln]CMLDIFVLIA